The following is an entry in ClinVar:

NM_017777.4(MKS1):c.1471C>T (p.His491Tyr)

Gene: MKS1 (MKS transition zone complex subunit 1; minus strand). Cytogenetic location: 17q22.
Variant type: single nucleotide variant.
Coding change: c.1471C>T on transcript NM_017777.4 (MANE Select); coding-DNA position 1471, C replaced by T.
Protein change: p.His491Tyr; replaces histidine 491 with tyrosine.
Molecular consequence: missense variant. On other transcripts: intron variant (2).
Genome position (GRCh38, 1-based): chr17:58,206,484, G>A on the plus strand (C>T on the coding strand, the complement: MKS1 is on the minus strand). VCF-style: chr17-58206484-G-A. GRCh37 (hg19) VCF-style: chr17-56283845-G-A.
Other names: c.862C>T, p.His288Tyr (NM_001321268.2); c.1274-104C>T (NM_001330397.2); c.1408-104C>T (NM_001321269.2); short protein forms H288Y, H491Y.
Identifiers: ClinVar variation 2096992 (VCV002096992.1), dbSNP rs2509403715, ClinGen allele CA400324660.
Genomic context (GRCh38, chr17:58,206,484, plus strand): 5'-CAGGGCTAAGGTGCCCTGAGGCAGAGGGCCAAGTCACTCACCTGGACTGCTGCAGACAGT[G>A]CAAGCGGAAGGTGACAGTGCCTGTGGTCTCTGTGCGGAGTCCAAAGCGGCTCAGGCGTTC-3'
Protein context (NP_060247.2, residues 481-501): ETTGTVTFRL[His491Tyr]CLQQSRAFME

ClinVar aggregate classification (germline): Uncertain significance (1 of 4 stars; one submission).

Conditions:
Joubert syndrome. Also called: CEREBELLOPARENCHYMAL DISORDER IV; JOUBERT-BOLTSHAUSER SYNDROME; Familial aplasia of the vermis. Identifiers: Orphanet 475, MedGen C5979921, MONDO:0018772.
Meckel-Gruber syndrome. Also called: DYSENCEPHALIA SPLANCHNOCYSTICA; GRUBER SYNDROME; Dysencephalia splachnocystica. Identifiers: Orphanet 564, MedGen C0265215, MONDO:0018921.

Submission:

Labcorp Genetics (formerly Invitae), Labcorp
Classification: Uncertain significance for Joubert syndrome; Meckel-Gruber syndrome. Last evaluated: 2022-04-01. Review status: criteria provided, single submitter. Criteria: Invitae Variant Classification Sherloc (09022015). Collection method: clinical testing. Allele origin: germline.
Comment: This sequence change replaces histidine, which is basic and polar, with tyrosine, which is neutral and polar, at codon 491 of the MKS1 protein (p.His491Tyr). This variant is not present in population databases (gnomAD no frequency). This variant has not been reported in the literature in individuals affected with MKS1-related conditions. Advanced modeling of protein sequence and biophysical properties (such as structural, functional, and spatial information, amino acid conservation, physicochemical variation, residue mobility, and thermodynamic stability) performed at Invitae indicates that this missense variant is not expected to disrupt MKS1 protein function. In summary, the available evidence is currently insufficient to determine the role of this variant in disease. Therefore, it has been classified as a Variant of Uncertain Significance.